The following is an entry in ClinVar:

ClinVar aggregate classification (germline): Uncertain significance. Review status: criteria provided, multiple submitters, no conflicts (2 of 4 stars). 3 submissions from 3 submitters: Uncertain significance (3). Last evaluated 2023-12-18.

Conditions:
Charcot-Marie-Tooth disease axonal type 2C (HMSN2C). Also called: CHARCOT-MARIE-TOOTH DISEASE, AXONAL, AUTOSOMAL DOMINANT, TYPE 2C; Charcot-Marie-Tooth Neuropathy Type 2C; Charcot-Marie-Tooth Disease Type 2, TRPV4-Related (CMT2C). Identifiers: Orphanet 99937, MedGen C1853710, MONDO:0011633, OMIM 606071.

Allele frequency attached by ClinVar (database versions not stated): ExAC 0.00001; gnomAD exomes 0.00002; TOPMed 0.00002; ESP Exome Variant Server 0.00008.
gnomAD v4.1: 19 of 1,613,772 alleles (0.0012%); highest among the groups gnomAD compares: South Asian, 0.0099%; 1 homozygote.

Submissions (3):

Labcorp Genetics (formerly Invitae), Labcorp
Classification: Uncertain significance for Charcot-Marie-Tooth disease axonal type 2C. Last evaluated: 2023-12-18. Review status: criteria provided, single submitter. Criteria: Invitae Variant Classification Sherloc (09022015). Collection method: clinical testing. Allele origin: germline.
Comment: This sequence change replaces arginine, which is basic and polar, with histidine, which is basic and polar, at codon 862 of the TRPV4 protein (p.Arg862His). This variant is present in population databases (rs371989034, gnomAD 0.02%). This variant has not been reported in the literature in individuals affected with TRPV4-related conditions. ClinVar contains an entry for this variant (Variation ID: 546515). Advanced modeling of protein sequence and biophysical properties (such as structural, functional, and spatial information, amino acid conservation, physicochemical variation, residue mobility, and thermodynamic stability) performed at Invitae indicates that this missense variant is not expected to disrupt TRPV4 protein function with a negative predictive value of 95%. In summary, the available evidence is currently insufficient to determine the role of this variant in disease. Therefore, it has been classified as a Variant of Uncertain Significance.

GeneDx
Classification: Uncertain significance. Last evaluated: 2022-03-31. Review status: criteria provided, single submitter. Criteria: GeneDx Variant Classification Process June 2021. Collection method: clinical testing. Allele origin: germline. Affected: yes.
Comment: In silico analysis supports that this missense variant does not alter protein structure/function; Has not been previously published as pathogenic or benign to our knowledge

Athena Diagnostics
Classification: Uncertain significance. Last evaluated: 2021-08-23. Review status: criteria provided, single submitter. Criteria: Athena Diagnostics Criteria. Collection method: clinical testing. Allele origin: unknown.

NM_021625.5(TRPV4):c.2585G>A (p.Arg862His)

Gene: TRPV4 (transient receptor potential cation channel subfamily V member 4; minus strand). Cytogenetic location: 12q24.11.
Variant type: single nucleotide variant.
Coding change: c.2585G>A on transcript NM_021625.5 (MANE Select); coding-DNA position 2585, G replaced by A.
Protein change: p.Arg862His; replaces arginine 862 with histidine.
Molecular consequence: missense variant.
Genome position (GRCh38, 1-based): chr12:109,783,652, C>T on the plus strand (G>A on the coding strand, the complement: TRPV4 is on the minus strand). VCF-style: chr12-109783652-C-T. GRCh37 (hg19) VCF-style: chr12-110221457-C-T.
Other names: c.2444G>A, p.Arg815His (NM_001177428.2); c.2483G>A, p.Arg828His (NM_001177431.2); c.2264G>A, p.Arg755His (NM_001177433.2); c.2405G>A, p.Arg802His (NM_147204.3); short protein forms R862H, R755H, R802H, R815H, R828H.
Identifiers: ClinVar variation 546515 (VCV000546515.11), dbSNP rs371989034, ClinGen allele CA6779850.